The following is an entry in ClinVar:

ClinVar aggregate classification (germline): Likely benign (0 of 4 stars; one submission).

Conditions:
GAPVD1-related disorder. Also called: GAPVD1-related condition.

Allele frequency attached by ClinVar (database versions not stated): TOPMed 0.00001; gnomAD 0.00002; gnomAD exomes 0.00003; ExAC 0.00010.
gnomAD v4.1: 45 of 1,549,258 alleles (0.0029%); highest among the groups gnomAD compares: Middle Eastern, 0.017%; no homozygotes.

Submission:

PreventionGenetics, part of Exact Sciences
Classification: Likely benign for GAPVD1-related condition. Last evaluated: 2021-03-16. Review status: no assertion criteria provided. Collection method: clinical testing. Allele origin: germline.
Comment: This variant is classified as likely benign based on ACMG/AMP sequence variant interpretation guidelines (Richards et al. 2015 PMID: 25741868, with internal and published modifications).

NM_001282680.3(GAPVD1):c.1442-8T>C

Gene: GAPVD1 (GTPase activating protein and VPS9 domains 1; plus strand). Cytogenetic location: 9q33.3.
Variant type: single nucleotide variant.
Coding change: c.1442-8T>C on transcript NM_001282680.3 (MANE Select); 8 bases into the intron before coding-DNA position 1442, T replaced by C.
Molecular consequence: intron variant.
Genome position (GRCh38, 1-based): chr9:125,312,444, T>C. VCF-style: chr9-125312444-T-C. GRCh37 (hg19) VCF-style: chr9-128074723-T-C.
Other names: c.1442-8T>C (NM_001354296.2, NM_001354301.2, NM_001354297.2 and 10 more transcripts).
Identifiers: ClinVar variation 3031035 (VCV003031035.2), dbSNP rs771125182, ClinGen allele CA5240190.
Genomic context (GRCh38, chr9:125,312,444, plus strand): 5'-ATATTTAGCATACCATTTTCTTCATTTGTCTATTTCTCTAAATTATTTTATTTGAAATTT[T>C]TTATTAGCAACTCGGAGCAGAAGCCGCACCAATATGCTAATGGACCTACATATGGACCAT-3'